The following is an entry in ClinVar:

NM_002185.5(IL7R):c.748T>G (p.Phe250Val)

Gene: IL7R (interleukin 7 receptor; plus strand). Cytogenetic location: 5p13.2.
Variant type: single nucleotide variant.
Coding change: c.748T>G on transcript NM_002185.5 (MANE Select); coding-DNA position 748, T replaced by G.
Protein change: p.Phe250Val; replaces phenylalanine 250 with valine.
Molecular consequence: missense variant.
Genome position (GRCh38, 1-based): chr5:35,874,490, T>G. VCF-style: chr5-35874490-T-G. GRCh37 (hg19) VCF-style: chr5-35874592-T-G.
Other names: short protein forms F250V.
Identifiers: ClinVar variation 1425204 (VCV001425204.6), dbSNP rs1000207637, ClinGen allele CA359431629.

ClinVar aggregate classification (germline): Uncertain significance (1 of 4 stars; one submission).

Conditions:
Immunodeficiency 104. Also called: IMMUNODEFICIENCY 104, SEVERE COMBINED; SCID, AUTOSOMAL RECESSIVE, T CELL-NEGATIVE, B CELL-POSITIVE, NK CELL-POSITIVE; Severe Combined Immune Deficiency, Autosomal Recessive, TCell -Negative, B Cell-Positive, NK Cell-Positive, IL7R-Related; Severe combined immunodeficiency, autosomal recessive, T cell-negative, B cell-positive, NK cell-positive. Identifiers: MedGen C5676890, MONDO:0012163, OMIM 608971.

gnomAD v4.1: 2 of 1,613,738 alleles (0.00012%); highest among the groups gnomAD compares: Non-Finnish European, 0.00017%; no homozygotes.

Submission:

Labcorp Genetics (formerly Invitae), Labcorp
Classification: Uncertain significance for Immunodeficiency 104. Last evaluated: 2021-11-04. Review status: criteria provided, single submitter. Criteria: Invitae Variant Classification Sherloc (09022015). Collection method: clinical testing. Allele origin: germline.
Comment: This sequence change replaces phenylalanine, which is neutral and non-polar, with valine, which is neutral and non-polar, at codon 250 of the IL7R protein (p.Phe250Val). This variant is not present in population databases (gnomAD no frequency). This variant has not been reported in the literature in individuals affected with IL7R-related conditions. Algorithms developed to predict the effect of missense changes on protein structure and function output the following: SIFT: "Deleterious"; PolyPhen-2: "Benign"; Align-GVGD: "Class C0". The valine amino acid residue is found in multiple mammalian species, which suggests that this missense change does not adversely affect protein function. In summary, the available evidence is currently insufficient to determine the role of this variant in disease. Therefore, it has been classified as a Variant of Uncertain Significance.